The following is an entry in ClinVar:

NM_000138.5(FBN1):c.8103_8104insT (p.Ser2702Ter)

Gene: FBN1 (fibrillin 1; minus strand). Cytogenetic location: 15q21.1.
Variant type: Insertion.
Coding change: c.8103_8104insT on transcript NM_000138.5 (MANE Select); coding-DNA positions 8103 to 8104, T inserted.
Protein change: p.Ser2702Ter; replaces serine 2702 with a stop codon.
Molecular consequence: nonsense.
Genome position: GRCh38 VCF-style: chr15-48412691-T-TA. GRCh37 (hg19) VCF-style: chr15-48704888-T-TA.
Other names: short protein forms S2702*.
Identifiers: ClinVar variation 1453079 (VCV001453079.6), dbSNP rs2141211736, ClinGen allele CA2573150942.

ClinVar aggregate classification (germline): Pathogenic (1 of 4 stars; one submission).

Conditions:
Marfan syndrome (MFS). Also called: MARFAN SYNDROME, TYPE I; Marfan syndrome type 1; Marfan's syndrome; Marfan syndrome, classic; FBN1-Related Marfan Syndrome. Identifiers: Orphanet 284963, Orphanet 558, MedGen C0024796, MONDO:0007947, OMIM 154700.
Familial thoracic aortic aneurysm and aortic dissection (TAAD). Also called: Thoracic aortic aneurysms and dissections. Identifiers: Orphanet 91387, MedGen C4707243, MONDO:0019625.

Submission:

Labcorp Genetics (formerly Invitae), Labcorp
Classification: Pathogenic for Marfan syndrome; Familial thoracic aortic aneurysm and aortic dissection. Last evaluated: 2021-05-19. Review status: criteria provided, single submitter. Criteria: Invitae Variant Classification Sherloc (09022015). Collection method: clinical testing. Allele origin: germline.
Comment: For these reasons, this variant has been classified as Pathogenic. This variant has not been reported in the literature in individuals with FBN1-related conditions. This variant is not present in population databases (ExAC no frequency). This sequence change creates a premature translational stop signal (p.Ser2702*) in the FBN1 gene. It is expected to result in an absent or disrupted protein product. Loss-of-function variants in FBN1 are known to be pathogenic (PMID: 17657824, 19293843).

Literature cited by the submitters: PubMed 17657824; PubMed 19293843.